The following is an entry in ClinVar:

ClinVar aggregate classification (germline): Benign/Likely benign. Review status: criteria provided, multiple submitters, no conflicts (2 of 4 stars). 4 submissions from 4 submitters: Benign (1); Likely benign (2). 1 of the submissions does not count toward it. Last evaluated 2025-08-30.

Conditions:
MFRP-related disorder. Also called: MFRP-related condition; MFRP-related disorders.
Late-onset retinal degeneration (LORD). Also called: RETINAL DEGENERATION, LATE-ONSET, AUTOSOMAL DOMINANT. Identifiers: Orphanet 67042, MedGen C1854065, MONDO:0011579, OMIM 605670. Disease mechanism: loss of function.
Isolated microphthalmia 5. Also called: Posterior Microphthalmia with Retinitis Pigmentosa, Foveoschisis, and Optic Disc Drusen. Identifiers: Orphanet 251279, MedGen C1970236, MONDO:0012605, OMIM 611040.

Allele frequency attached by ClinVar (database versions not stated): 1000 Genomes Project 30x 0.00062; ESP Exome Variant Server 0.00008; TOPMed 0.00051; 1000 Genomes Project 0.00080.
gnomAD v4.1: 229 of 1,614,054 alleles (0.014%); highest among the groups gnomAD compares: East Asian, 0.4%; 1 homozygote.

Submissions (4):

Labcorp Genetics (formerly Invitae), Labcorp
Classification: Likely benign for Isolated microphthalmia 5. Last evaluated: 2025-08-30. Review status: criteria provided, single submitter. Criteria: Invitae Variant Classification Sherloc (09022015). Collection method: clinical testing. Allele origin: germline.

Blueprint Genetics
Classification: Benign. Last evaluated: 2024-10-09. Review status: criteria provided, single submitter. Criteria: ACMG Guidelines, 2015. Collection method: clinical testing. Allele origin: germline.

Illumina Laboratory Services, Illumina
Classification: Likely benign for Late-onset retinal degeneration. Last evaluated: 2018-01-13. Review status: criteria provided, single submitter. Criteria: ICSL Variant Classification Criteria 13 December 2019. Collection method: clinical testing. Allele origin: germline.
Comment: This variant was observed in the ICSL laboratory as part of a predisposition screen in an ostensibly healthy population. It had not been previously curated by ICSL or reported in the Human Gene Mutation Database (HGMD: prior to June 1st, 2018), and was therefore a candidate for classification through an automated scoring system. Utilizing variant allele frequency, disease prevalence and penetrance estimates, and inheritance mode, an automated score was calculated to assess if this variant is too frequent to cause the disease. Based on the score and internal cut-off values, a variant classified as likely benign is not then subjected to further curation. The score for this variant resulted in a classification of likely benign for this disease.

PreventionGenetics, part of Exact Sciences
Classification: Likely benign for MFRP-related condition. Last evaluated: 2019-07-30. Review status: no assertion criteria provided. Collection method: clinical testing. Allele origin: germline. Not counted in ClinVar's aggregate classification.
Comment: This variant is classified as likely benign based on ACMG/AMP sequence variant interpretation guidelines (Richards et al. 2015 PMID: 25741868, with internal and published modifications).

NM_031433.4(MFRP):c.496C>G (p.Pro166Ala)

Genes: C1QTNF5 (C1q and TNF related 5; minus strand), MFRP (membrane frizzled-related protein; minus strand). Cytogenetic location: 11q23.3.
Variant type: single nucleotide variant.
Coding change: c.496C>G on transcript NM_031433.4 (MANE Select); coding-DNA position 496, C replaced by G.
Protein change: p.Pro166Ala; replaces proline 166 with alanine.
Molecular consequence: missense variant. On other transcripts: 5 prime UTR variant (1).
Genome position (GRCh38, 1-based): chr11:119,345,565, G>C on the plus strand (C>G on the coding strand, the complement: MFRP is on the minus strand). VCF-style: chr11-119345565-G-C. GRCh37 (hg19) VCF-style: chr11-119216275-G-C.
Other names: c.-2141C>G (NM_015645.5); short protein forms P166A.
Identifiers: ClinVar variation 302970 (VCV000302970.18), dbSNP rs145285193, ClinGen allele CA6320528.
Genomic context (GRCh38, chr11:119,345,565, plus strand): 5'-TCTTGAGCTGTATTGCATGGTCTGTGGCCACCTGGATATGCCACACGCAGTGGGTGTTGG[G>C]GGGGTAAGGGTCTGGGTAGTTAGGGCTGCTGAAGAAGCCCCTTGGGCCAGAGAGGAGGCC-3'
Protein context (NP_113621.1, residues 156-176): SSPNYPDPYP[Pro166Ala]NTHCVWHIQV